The following is an entry in ClinVar:

NM_016006.6(ABHD5):c.201G>C (p.Lys67Asn)

Gene: ABHD5 (abhydrolase domain containing 5, lysophosphatidic acid acyltransferase; plus strand). Cytogenetic location: 3p21.33.
Variant type: single nucleotide variant.
Coding change: c.201G>C on transcript NM_016006.6 (MANE Select); coding-DNA position 201, G replaced by C.
Protein change: p.Lys67Asn; replaces lysine 67 with asparagine.
Molecular consequence: missense variant. On other transcripts: non-coding transcript variant (1).
Genome position (GRCh38, 1-based): chr3:43,702,282, G>C. VCF-style: chr3-43702282-G-C. GRCh37 (hg19) VCF-style: chr3-43743774-G-C.
Other names: c.201G>C, p.Lys67Asn (NM_001355186.2, NM_001365650.1); c.78G>C, p.Lys26Asn (NM_001365649.1); short protein forms K26N, K67N.
Identifiers: ClinVar variation 902780 (VCV000902780.7), dbSNP rs200927822, ClinGen allele CA2341297.

ClinVar aggregate classification (germline): Uncertain significance. Review status: criteria provided, multiple submitters, no conflicts (2 of 4 stars). 4 submissions from 4 submitters: Uncertain significance (4). Last evaluated 2024-12-26.

Conditions:
Triglyceride storage disease with ichthyosis (CDS). Also called: Dorfman-Chanarin disease; TRIGLYCERIDE STORAGE DISEASE WITH IMPAIRED LONG-CHAIN FATTY ACID OXIDATION; Chanarin-Dorfman Syndrome; ICHTHYOSIFORM ERYTHRODERMA WITH LEUKOCYTE VACUOLATION. Identifiers: Orphanet 98907, MedGen C0268238, MONDO:0010155, OMIM 275630.

Allele frequency attached by ClinVar (database versions not stated): TOPMed 0.00014; gnomAD 0.00015 and 0.00016; gnomAD exomes 0.00016 and 0.00030; ExAC 0.00017; ESP Exome Variant Server 0.00031.
gnomAD v4.1: 450 of 1,602,146 alleles (0.028%); highest among the groups gnomAD compares: Non-Finnish European, 0.037%; no homozygotes.

Submissions (4):

GeneDx
Classification: Uncertain significance. Last evaluated: 2024-12-26. Review status: criteria provided, single submitter. Criteria: GeneDx Variant Classification Process June 2021. Collection method: clinical testing. Allele origin: germline. Affected: yes.
Comment: In silico analysis indicates that this missense variant does not alter protein structure/function; Has not been previously published as pathogenic or benign to our knowledge

Labcorp Genetics (formerly Invitae), Labcorp
Classification: Uncertain significance. Last evaluated: 2022-03-25. Review status: criteria provided, single submitter. Criteria: Invitae Variant Classification Sherloc (09022015). Collection method: clinical testing. Allele origin: germline.
Comment: This sequence change replaces lysine, which is basic and polar, with asparagine, which is neutral and polar, at codon 67 of the ABHD5 protein (p.Lys67Asn). This variant is present in population databases (rs200927822, gnomAD 0.03%). This variant has not been reported in the literature in individuals affected with ABHD5-related conditions. ClinVar contains an entry for this variant (Variation ID: 902780). Algorithms developed to predict the effect of missense changes on protein structure and function (SIFT, PolyPhen-2, Align-GVGD) all suggest that this variant is likely to be tolerated. In summary, the available evidence is currently insufficient to determine the role of this variant in disease. Therefore, it has been classified as a Variant of Uncertain Significance.

Illumina Laboratory Services, Illumina
Classification: Uncertain significance for Triglyceride storage disease with ichthyosis. Last evaluated: 2017-04-27. Review status: criteria provided, single submitter. Criteria: ICSL Variant Classification Criteria 13 December 2019. Collection method: clinical testing. Allele origin: germline.

Breakthrough Genomics
Classification: Uncertain significance. Review status: criteria provided, single submitter. Criteria: ACMG Guidelines, 2015. Collection method: not provided. Allele origin: germline. Inheritance: Autosomal recessive inheritance. Affected: yes.